The following is an entry in ClinVar:

ClinVar aggregate classification (germline): Pathogenic/Likely pathogenic. Review status: criteria provided, multiple submitters, no conflicts (2 of 4 stars). 4 submissions from 4 submitters: Pathogenic (2); Likely pathogenic (2). Last evaluated 2024-02-21.

Conditions:
Autosomal recessive limb-girdle muscular dystrophy type 2A (LGMDR1). Also called: LEYDEN-MOEBIUS MUSCULAR DYSTROPHY; MUSCULAR DYSTROPHY, PELVOFEMORAL; Muscular dystrophy, limb-girdle, type 2A, Amish; Calpainopathy; Limb-girdle muscular dystrophy, type 2A. Identifiers: Orphanet 267, MedGen C1869123, MONDO:0009675, OMIM 253600. Disease mechanism: loss of function.
Muscular dystrophy, limb-girdle, autosomal dominant 4. Also called: Calpain-3-related limb-girdle muscular dystrophy D4; MUSCULAR DYSTROPHY, LIMB-GIRDLE, TYPE 1I. Identifiers: Orphanet 565909, MedGen C4748295, MONDO:0029133, OMIM 618129.

Submissions (4):

Fulgent Genetics
Classification: Likely pathogenic for Autosomal recessive limb-girdle muscular dystrophy type 2A; Muscular dystrophy, limb-girdle, autosomal dominant 4. Last evaluated: 2024-02-21. Review status: criteria provided, single submitter. Criteria: ACMG Guidelines, 2015. Collection method: clinical testing. Allele origin: germline.

Baylor Genetics
Classification: Likely pathogenic for Muscular dystrophy, limb-girdle, autosomal dominant 4. Last evaluated: 2023-09-07. Review status: criteria provided, single submitter. Criteria: ACMG Guidelines, 2015. Collection method: clinical testing. Allele origin: unknown.

Labcorp Genetics (formerly Invitae), Labcorp
Classification: Pathogenic for Autosomal recessive limb-girdle muscular dystrophy type 2A. Last evaluated: 2023-02-01. Review status: criteria provided, single submitter. Criteria: Invitae Variant Classification Sherloc (09022015). Collection method: clinical testing. Allele origin: germline.
Comment: For these reasons, this variant has been classified as Pathogenic. Algorithms developed to predict the effect of sequence changes on RNA splicing suggest that this variant may disrupt the consensus splice site. ClinVar contains an entry for this variant (Variation ID: 1325402). This premature translational stop signal has been observed in individual(s) with limb-girdle muscular dystrophy (PMID: 17236769). This variant is not present in population databases (gnomAD no frequency). This sequence change creates a premature translational stop signal (p.Glu206Argfs*14) in the CAPN3 gene. It is expected to result in an absent or disrupted protein product. Loss-of-function variants in CAPN3 are known to be pathogenic (PMID: 10330340, 15689361).

Revvity Omics, Revvity
Classification: Pathogenic. Last evaluated: 2019-07-23. Review status: criteria provided, single submitter. Criteria: ACMG Guidelines, 2015. Collection method: clinical testing. Allele origin: germline.

Literature cited by the submitters: PubMed 17236769 (cited by Labcorp Genetics (formerly Invitae), Labcorp); PubMed 10330340 (cited by Labcorp Genetics (formerly Invitae), Labcorp); PubMed 15689361 (cited by Labcorp Genetics (formerly Invitae), Labcorp).

NM_000070.3(CAPN3):c.616del (p.Glu206fs)

Gene: CAPN3 (calpain 3; plus strand). Cytogenetic location: 15q15.1.
Variant type: Deletion.
Coding change: c.616del on transcript NM_000070.3 (MANE Select); coding-DNA position 616, one base deleted (G; older notation c.616delG).
Protein change: p.Glu206fs; shifts the reading frame from glutamic acid 206.
Molecular consequence: frameshift variant.
Genome position (GRCh38, 1-based): chr15:42,387,870, G deleted; the last of 2 consecutive G bases (chr15:42,387,869-42,387,870); deleting either gives the same sequence. VCF-style (leftmost placement, unchanged base first): chr15-42387868-TG-T. GRCh37 (hg19) VCF-style: chr15-42680066-TG-T.
Other names: c.616del, p.Glu206fs (NM_024344.2, NM_173087.2); short protein forms E206fs.
Identifiers: ClinVar variation 1325402 (VCV001325402.10), dbSNP rs2053446296, ClinGen allele CA969138125.